The following is an entry in ClinVar:

ClinVar aggregate classification (germline): Pathogenic/Likely pathogenic. Review status: criteria provided, multiple submitters, no conflicts (2 of 4 stars). 16 submissions from 16 submitters: Pathogenic (10); Likely pathogenic (5). 1 of the submissions does not count toward it. Last evaluated 2025-12-31.

Conditions:
Cardiovascular phenotype. Identifiers: MedGen CN230736.
TTN-related disorder. Also called: TTN-related disorders; TTN-related condition; TTN-related disease.
Autosomal recessive limb-girdle muscular dystrophy type 2J (LGMDR10). Also called: Limb-girdle muscular dystrophy, type 2J; MUSCULAR DYSTROPHY, LIMB-GIRDLE, AUTOSOMAL RECESSIVE 10. Identifiers: Orphanet 140922, MedGen C1837342, MONDO:0012127, OMIM 608807.
Dilated cardiomyopathy 1G (CMD1G). Identifiers: Orphanet 154, MedGen C1858763, MONDO:0011400, OMIM 604145.
Early-onset myopathy with fatal cardiomyopathy (CMYO5). Also called: Salih Myopathy; CONGENITAL MYOPATHY 5 WITH CARDIOMYOPATHY. Identifiers: Orphanet 289377, MedGen C2673677, MONDO:0012714, OMIM 611705. Disease mechanism: loss of function.
SUDDEN INFANT DEATH SYNDROME (SIDS). Also called: Sudden Infant Death. Identifiers: MedGen C0038644, MeSH D013398, OMIM 272120.
Primary dilated cardiomyopathy (DCM). Also called: Dilated Cardiomyopathy. Identifiers: Orphanet 217604, MedGen C0007193, MeSH D002311, MONDO:0005021, HP:0001644. Inheritance: Various modes of inheritance.

Allele frequency attached by ClinVar (database versions not stated): gnomAD exomes below 0.00001 and 0.00001; ExAC 0.00001; gnomAD 0.00002; TOPMed 0.00002.

Submissions 1 to 10 of 16:

Labcorp Genetics (formerly Invitae), Labcorp
Classification: Pathogenic for Dilated cardiomyopathy 1G; Autosomal recessive limb-girdle muscular dystrophy type 2J. Last evaluated: 2025-12-31. Review status: criteria provided, single submitter. Criteria: Invitae Variant Classification Sherloc (09022015). Collection method: clinical testing. Allele origin: germline.
Comment: This sequence change creates a premature translational stop signal (p.Arg32767Glyfs*2) in the TTN gene. While this is not anticipated to result in nonsense mediated decay, it is expected to create a truncated TTN protein. This variant is present in population databases (rs397517776, gnomAD 0.002%). This premature translational stop signal has been observed in individuals with dilated cardiomyopathy (PMID: 22335739, 25589632; internal data). This variant is also known as c.93376_93377delAG (p.Arg31126fs). ClinVar contains an entry for this variant (Variation ID: 47599). This variant is located in the A band of TTN (PMID: 25589632). Truncating variants in this region are significantly overrepresented in patients affected with dilated cardiomyopathy (PMID: 25589632). Truncating variants in this region have also been reported in individuals affected with autosomal recessive centronuclear myopathy (PMID: 23975875). For these reasons, this variant has been classified as Pathogenic.

Molecular Diagnostic Laboratory for Inherited Cardiovascular Disease, Montreal Heart Institute
Classification: Pathogenic for Cardiovascular phenotype. Last evaluated: 2025-03-17. Review status: criteria provided, single submitter. Criteria: ACMG Guidelines, 2015. Collection method: clinical testing. Allele origin: germline. Affected: yes.
Comment: PVS1, PS4_mod, PM2

Mayo Clinic Laboratories, Mayo Clinic
Classification: Pathogenic. Last evaluated: 2025-01-03. Review status: criteria provided, single submitter. Criteria: ACMG Guidelines, 2015. Collection method: clinical testing. Allele origin: germline. Observed: 1 variant allele.
Comment: PM2_supporting, PS4_moderate, PVS1

Broad Center for Mendelian Genomics, Broad Institute of MIT and Harvard
Classification: Pathogenic for Early-onset myopathy with fatal cardiomyopathy. Last evaluated: 2023-05-02. Review status: criteria provided, single submitter. Criteria: ACMG Guidelines, 2015. Collection method: curation. Allele origin: germline. Inheritance: Autosomal recessive inheritance.
Comment: The heterozygous p.Arg32767GlyfsTer2 variant in TTN was identified by our study, in the compound heterozygous state with a likely variant (ClinVar Variation ID: 489358), in two affected siblings with Salih myopathy. Familial genome analysis confirmed that this variant was in trans with a likely pathogenic variant (ClinVar Variation ID: 489358), which increases the likelihood that the p.Arg32767GlyfsTer2 variant is pathogenic. The p.Arg32767GlyfsTer2 variant has not been previously reported in individuals with Salih myopathy but has been identified in 0.0015% (2/127958) European (non-Finnish) chromosomes by the the Genome Aggregation Database (gnomAD; dbSNP ID: rs995110630). Although this variant has been seen in the general population in a heterozygous state, its frequency is low enough to be consistent with a recessive carrier frequency. This variant has also been reported in ClinVar (Variation ID: 47599) and has been interpreted as pathogenic by Invitae, GeneDx, Human Genome Sequencing Center Clinical Lab, Baylor College of Medicine, Robert's Program,Boston Children's Hospital and as likely pathogenic by Eurofins NTD LLC (GA), ARUP Laboratories, Cardiovascular Biomedical Research Unit,Royal Brompton & Harefield NHS Foundation Trust, Laboratory for Molecular Medicine,Mass General Brigham Personalized Medicine, and Ambry Genetics, albeit for other forms of TTN-related disease. This variant is predicted to cause a frameshift, which alters the protein‚Äôs amino acid sequence beginning at position 32767 and leads to a premature termination codon 2 amino acids downstream. This alteration is then predicted to lead to a truncated or absent protein. Loss of function of the TTN gene is an established disease mechanism of autosomal recessive Salih myopathy. In summary, this variant meets criteria to be classified as pathogenic for autosomal recessive Salih myopathy. ACMG/AMP Criteria applied: PVS1, PM3, PM2_Supporting (Richards 2015).

Blueprint Genetics
Classification: Pathogenic for TTN-related disorders. Last evaluated: 2023-02-10. Review status: criteria provided, single submitter. Criteria: ACMG Guidelines, 2015. Collection method: clinical testing. Allele origin: germline. Affected: yes. Observed: 1 variant allele.

GeneDx
Classification: Pathogenic. Last evaluated: 2023-01-13. Review status: criteria provided, single submitter. Criteria: GeneDx Variant Classification Process June 2021. Collection method: clinical testing. Allele origin: germline. Affected: yes.
Comment: Not observed at significant frequency in large population cohorts (gnomAD); Frameshift variant predicted to result in protein truncation or nonsense mediated decay in a gene for which loss-of-function is a known mechanism of disease; Located in the A-band region of TTN in which the majority of loss of function variants have been associated with autosomal dominant titinopathies (Herman et al., 2012); Also known as c.93376_93377delAG due to the use of an alternate transcript; This variant is associated with the following publications: (PMID: 30535219, 25589632, 30471092, 34088380, 22335739, 23975875, 33106378, 34495297, 35027292)

Center for Human Genetics, University of Leuven
Classification: Pathogenic for Primary dilated cardiomyopathy. Last evaluated: 2022-12-31. Review status: criteria provided, single submitter. Criteria: ACMG Guidelines, 2015. Collection method: clinical testing. Allele origin: germline. Affected: yes.

Institute of Human Genetics Munich, TUM University Hospital
Classification: Pathogenic for Dilated cardiomyopathy 1G. Last evaluated: 2022-07-07. Review status: criteria provided, single submitter. Criteria: Classification criteria August 2017. Collection method: clinical testing. Allele origin: germline. Inheritance: Autosomal dominant inheritance. Affected: yes. Observed: 1 variant allele.

Laboratory for Molecular Medicine, Mass General Brigham Personalized Medicine
Classification: Likely pathogenic for Primary dilated cardiomyopathy. Last evaluated: 2022-02-07. Review status: criteria provided, single submitter. Criteria: ACMG Guidelines, 2015. Collection method: clinical testing. Allele origin: germline. Inheritance: Autosomal dominant inheritance.
Comment: The p.Arg30199fs variant in TTN has been identified in 1 individual with DCM and 1 individual with HCM (Herman 2012, LMM unpublished data). This variant has also been identified in 2/126166 European chromosomes by the Genome Aggregation Database (gnomAD; dbSNP rs397517776). This variant is predicted to cause a frameshift, which alters the protein’s amino acid sequence beginning at position 30199 and leads to a premature termination codon 2 amino acids downstream. This alteration is then predicted to lead to a truncated or absent protein. Frameshift and other truncating variants in TTN are strongly associated with DCM if they impact the exons encoding for the A-band (Herman 2012, Pugh 2014) and/or are located in an exon that is highly expressed in the heart (Roberts 2015). The p.Arg30199fs variant is located in the A-band in the highly expressed exon 301. In summary, although additional studies are required to fully establish its clinical significance, the p.Arg30199fs variant is likely pathogenic. ACMG/AMP Criteria applied: PVS1, PM2.

Robert's Program, Boston Children's Hospital
Classification: Pathogenic for SUDDEN INFANT DEATH SYNDROME. Last evaluated: 2021-10-01. Review status: criteria provided, single submitter. Criteria: ACMG Guidelines, 2015. Collection method: research. Allele origin: germline. Affected: yes.
Comment: We classify this variant as pathogenic using the following ACMG/AMP criteria: PVS1, PM1, PP5

NM_001267550.2(TTN):c.98299_98300del (p.Arg32767fs)

Genes: TTN (titin; minus strand), TTN-AS1 (TTN antisense RNA 1; plus strand). Cytogenetic location: 2q31.2.
Variant type: Deletion.
Coding change: c.98299_98300del on transcript NM_001267550.2 (MANE Select); coding-DNA positions 98299 to 98300, 2 bases deleted (AG; older notation c.98299_98300delAG).
Protein change: p.Arg32767fs; shifts the reading frame from arginine 32767.
Molecular consequence: frameshift variant. On other transcripts: non-coding transcript variant (1).
Genome position (GRCh38, 1-based): chr2:178,539,765-178,539,766, CT deleted on the plus strand (AG on the coding strand, the reverse complement: TTN is on the minus strand). VCF-style (leftmost placement, unchanged base first): chr2-178539764-CCT-C. GRCh37 (hg19) VCF-style: chr2-179404491-CCT-C.
Other names: NM_001267550.2(TTN):c.98299_98300del; p.Arg32767fs; p.Arg31126Glyfs*2; c.93376_93377del, p.Arg31126fs (NM_001256850.1); c.71104_71105del, p.Arg23702fs (NM_003319.4); c.71479_71480del, p.Arg23827fs (NM_133432.3); c.71680_71681del, p.Arg23894fs (NM_133437.4); c.98299_98300del (LRG_391t1, NM_001267550.1); and 3 more; short protein forms R23702fs, R23894fs, R23827fs, R32767fs, R31126fs.
Identifiers: ClinVar variation 47599 (VCV000047599.56), dbSNP rs397517776, ClinGen allele CA141479.